The following is an entry in ClinVar:

NM_001001958.1(OR7G3):c.660A>G (p.Arg220=)

Gene: OR7G3 (olfactory receptor family 7 subfamily G member 3; minus strand). Cytogenetic location: 19p13.2.
Variant type: single nucleotide variant.
Coding change: c.660A>G on transcript NM_001001958.1 (MANE Select); coding-DNA position 660, A replaced by G.
Protein change: p.Arg220=; no amino-acid change (arginine 220 retained).
Molecular consequence: synonymous variant.
Genome position (GRCh38, 1-based): chr19:9,126,291, T>C on the plus strand (A>G on the coding strand, the complement: OR7G3 is on the minus strand). VCF-style: chr19-9126291-T-C. GRCh37 (hg19) VCF-style: chr19-9236967-T-C.
Identifiers: ClinVar variation 2649275 (VCV002649275.24), dbSNP rs139482540, ClinGen allele CA9174496.
Genomic context (GRCh38, chr19:9,126,291, plus strand): 5'-GATGGAAAAAGCTTTATACTTTCCACCAGCTGATGGAATTTTCATGACAGAGGAGACAAT[T>C]CGTGTGTAAGAGAAAATGATCCCAGAGAGAGGAACAACACCTAACAGGCTGGTCACCAAA-3'
Protein context (NP_001001958.1, residues 210-230): PLSGIIFSYT[Arg220=]IVSSVMKIPS

ClinVar aggregate classification (germline): Likely benign (1 of 4 stars; one submission).

Allele frequency attached by ClinVar (database versions not stated): 1000 Genomes Project 30x 0.00031; 1000 Genomes Project 0.00040; gnomAD 0.00131; TOPMed 0.00136; ESP Exome Variant Server 0.00185; gnomAD exomes 0.00237; ExAC 0.00249.

Submission:

CeGaT Center for Human Genetics Tuebingen
Classification: Likely benign. Last evaluated: 2022-08-01. Review status: criteria provided, single submitter. Criteria: CeGaT Center For Human Genetics Tuebingen Variant Classification Criteria Version 2. Collection method: clinical testing. Allele origin: germline. Affected: yes. Observed: 1 variant allele.
Comment: OR7G3: BP4, BP7